The following is an entry in ClinVar:

ClinVar aggregate classification (germline): Likely pathogenic (1 of 4 stars; one submission).

Conditions:
Catecholaminergic polymorphic ventricular tachycardia 2. Also called: VENTRICULAR TACHYCARDIA, STRESS-INDUCED POLYMORPHIC 2; CASQ2-Related Catecholaminergic Polymorphic Ventricular Tachycardia. Identifiers: Orphanet 3286, MedGen C2677794, MONDO:0012762, OMIM 611938.

Submission:

Rajaie Cardiovascular, Medical and Research Center, Iran University of Medical Sciences
Classification: Likely pathogenic for Catecholaminergic polymorphic ventricular tachycardia 2. Last evaluated: 2025-10-18. Review status: criteria provided, single submitter. Criteria: ACMG Guidelines, 2015. Collection method: research. Allele origin: germline. Inheritance: Autosomal recessive inheritance. Affected: yes. Observed: 1 homozygote.
Comment: NM_001232.4(CASQ2):c.382G>T (p.Glu128Ter) was evaluated for Catecholaminergic polymorphic ventricular tachycardia. The proband’s phenotype matches gene-disease association.

NM_001232.4(CASQ2):c.382G>T (p.Glu128Ter)

Gene: CASQ2 (calsequestrin 2; minus strand). Cytogenetic location: 1p13.1.
Variant type: single nucleotide variant.
Coding change: c.382G>T on transcript NM_001232.4 (MANE Select); coding-DNA position 382, G replaced by T.
Protein change: p.Glu128Ter; replaces glutamic acid 128 with a stop codon.
Molecular consequence: nonsense.
Genome position (GRCh38, 1-based): chr1:115,740,766, C>A on the plus strand (G>T on the coding strand, the complement: CASQ2 is on the minus strand). VCF-style: chr1-115740766-C-A. GRCh37 (hg19) VCF-style: chr1-116283387-C-A.
Other names: short protein forms E128*.
Identifiers: ClinVar variation 4281696 (VCV004281696.1).